The following is an entry in ClinVar:

ClinVar aggregate classification (germline): Likely pathogenic. Review status: criteria provided, multiple submitters, no conflicts (2 of 4 stars). 2 submissions from 2 submitters: Likely pathogenic (2). Last evaluated 2023-12-14.

Conditions:
Inborn genetic diseases. Identifiers: MedGen C0950123, MeSH D030342.

Submissions (2):

Ambry Genetics
Classification: Likely pathogenic for Inborn genetic diseases. Last evaluated: 2023-12-14. Review status: criteria provided, single submitter. Criteria: Ambry Variant Classification Scheme 2023. Collection method: clinical testing. Allele origin: germline.
Comment: The c.2227C>T (p.Q743*) alteration, located in exon 12 (coding exon 9) of the PNPLA8 gene, consists of a C to T substitution at nucleotide position 2227. This changes the amino acid from a glutamine (Q) to a stop codon at amino acid position 743. This alteration occurs at the 3' terminus of the PNPLA8 gene, is not expected to trigger nonsense-mediated mRNA decay, and only impacts the last 5% of the protein. However, premature stop codons are typically deleterious in nature, the impacted region is critical for protein function, and a significant portion of the protein is affected (Ambry internal data). This variant was not reported in population-based cohorts in the Genome Aggregation Database (gnomAD). Based on the available evidence, this alteration is classified as likely pathogenic.

GeneDx
Classification: Likely pathogenic. Last evaluated: 2023-11-28. Review status: criteria provided, single submitter. Criteria: GeneDx Variant Classification Process June 2021. Collection method: clinical testing. Allele origin: germline. Affected: yes.
Comment: Nonsense variant predicted to result in protein truncation as the last 40 amino acids are lost, although loss-of-function variants have not been reported downstream of this position in the protein; Not observed at significant frequency in large population cohorts (gnomAD); Has not been previously published as pathogenic or benign to our knowledge; This variant is associated with the following publications: (PMID: Fields 2022[Poster])

NM_001256007.3(PNPLA8):c.2227C>T (p.Gln743Ter)

Gene: PNPLA8 (patatin like domain 8, phospholipase A2; minus strand). Cytogenetic location: 7q31.1.
Variant type: single nucleotide variant.
Coding change: c.2227C>T on transcript NM_001256007.3 (MANE Select); coding-DNA position 2227, C replaced by T.
Protein change: p.Gln743Ter; replaces glutamine 743 with a stop codon.
Molecular consequence: nonsense.
Genome position (GRCh38, 1-based): chr7:108,472,523, G>A on the plus strand (C>T on the coding strand, the complement: PNPLA8 is on the minus strand). VCF-style: chr7-108472523-G-A. GRCh37 (hg19) VCF-style: chr7-108112967-G-A.
Other names: c.2227C>T, p.Gln743Ter (NM_001256008.3, NM_015723.5); c.2041C>T, p.Gln681Ter (NM_001256009.3); c.1927C>T, p.Gln643Ter (NM_001256010.3, NM_001256011.3); c.2227C>T (NM_015723.4); short protein forms Q681*, Q743*, Q643*.
Identifiers: ClinVar variation 3216124 (VCV003216124.2), dbSNP rs868796441, ClinGen allele CA368890493.